The following is an entry in ClinVar:

NM_144631.6(ZNF513):c.800-2A>G

Gene: ZNF513 (zinc finger protein 513; minus strand). Cytogenetic location: 2p23.3.
Variant type: single nucleotide variant.
Coding change: c.800-2A>G on transcript NM_144631.6 (MANE Select); the canonical splice acceptor site of the intron before coding-DNA position 800, A replaced by G.
Molecular consequence: splice acceptor variant.
Genome position (GRCh38, 1-based): chr2:27,378,373, T>C on the plus strand (A>G on the coding strand, the complement: ZNF513 is on the minus strand). VCF-style: chr2-27378373-T-C. GRCh37 (hg19) VCF-style: chr2-27601240-T-C.
Other names: c.614-2A>G (NM_001201459.2).
Identifiers: ClinVar variation 3647499 (VCV003647499.2).
Genomic context (GRCh38, chr2:27,378,373, plus strand): 5'-CAGGAAACTGGCACCACCTGGTGGCACATGGAGGCTCAAATCTGGAAGGAGCAGAGCATC[T>C]GTGGGGACAAAGACCTGGGCTATGAATCCAATCCAAGCATTCCTAGGGTCAGCCACCCAT-3'

ClinVar aggregate classification (germline): Uncertain significance (1 of 4 stars; one submission).

Submission:

Labcorp Genetics (formerly Invitae), Labcorp
Classification: Uncertain significance. Last evaluated: 2024-04-01. Review status: criteria provided, single submitter. Criteria: Invitae Variant Classification Sherloc (09022015). Collection method: clinical testing. Allele origin: germline.
Comment: This sequence change falls in intron 3 of the ZNF513 gene. It does not directly change the encoded amino acid sequence of the ZNF513 protein. It affects a nucleotide within the consensus splice site. This variant is not present in population databases (gnomAD no frequency). This variant has not been reported in the literature in individuals affected with ZNF513-related conditions. Variants that disrupt the consensus splice site are a relatively common cause of aberrant splicing (PMID: 17576681, 9536098). Algorithms developed to predict the effect of sequence changes on RNA splicing suggest that this variant may disrupt the consensus splice site. In summary, the available evidence is currently insufficient to determine the role of this variant in disease. Therefore, it has been classified as a Variant of Uncertain Significance.

Literature cited by the submitters: PubMed 17576681; PubMed 9536098.